The following is an entry in ClinVar:

ClinVar aggregate classification (germline): Likely benign. Review status: criteria provided, single submitter (1 of 4 stars). 2 submissions from 2 submitters: Likely benign (1). 1 of the submissions does not count toward it. Last evaluated 2017-11-01.

Conditions:
MASP1-related disorder. Also called: MASP1-related condition.

Allele frequency attached by ClinVar (database versions not stated): TOPMed 0.00013; gnomAD 0.00016; ESP Exome Variant Server 0.00023; 1000 Genomes Project 30x 0.00047; 1000 Genomes Project 0.00060.
gnomAD v4.1: 46 of 1,614,240 alleles (0.0028%); highest among the groups gnomAD compares: African/African-American, 0.06%; no homozygotes.

Submissions (2):

Labcorp Genetics (formerly Invitae), Labcorp
Classification: Likely benign. Last evaluated: 2017-11-01. Review status: criteria provided, single submitter. Criteria: Invitae Variant Classification Sherloc (09022015). Collection method: clinical testing. Allele origin: germline.

PreventionGenetics, part of Exact Sciences
Classification: Likely benign for MASP1-related condition. Last evaluated: 2019-06-10. Review status: no assertion criteria provided. Collection method: clinical testing. Allele origin: germline. Not counted in ClinVar's aggregate classification.
Comment: This variant is classified as likely benign based on ACMG/AMP sequence variant interpretation guidelines (Richards et al. 2015 PMID: 25741868, with internal and published modifications).

NM_139125.4(MASP1):c.1612C>A (p.Arg538=)

Gene: MASP1 (MBL associated serine protease 1; minus strand). Cytogenetic location: 3q27.3.
Variant type: single nucleotide variant.
Coding change: c.1612C>A on transcript NM_139125.4 (MANE Select); coding-DNA position 1612, C replaced by A.
Protein change: p.Arg538=; no amino-acid change (arginine 538 retained).
Molecular consequence: synonymous variant. On other transcripts: non-coding transcript variant (1), intron variant (1).
Genome position (GRCh38, 1-based): chr3:187,236,259, G>T on the plus strand (C>A on the coding strand, the complement: MASP1 is on the minus strand). VCF-style: chr3-187236259-G-T. GRCh37 (hg19) VCF-style: chr3-186954047-G-T.
Other names: c.1303+5222C>A (NM_001879.6).
Identifiers: ClinVar variation 733628 (VCV000733628.5), dbSNP rs369868022, ClinGen allele CA2749223.